The following is an entry in ClinVar:

ClinVar aggregate classification (germline): Uncertain significance (1 of 4 stars; one submission).

Conditions:
Fanconi anemia complementation group E (FANCE). Also called: FANCE-Related Fanconi Anemia. Identifiers: Orphanet 84, MedGen C3160739, MONDO:0010953, OMIM 600901.

gnomAD v4.1: 2 of 1,246,432 alleles (0.00016%); highest among the groups gnomAD compares: Non-Finnish European, 0.0002%; no homozygotes.

Submission:

Labcorp Genetics (formerly Invitae), Labcorp
Classification: Uncertain significance for Fanconi anemia complementation group E. Last evaluated: 2025-05-12. Review status: criteria provided, single submitter. Criteria: Invitae Variant Classification Sherloc (09022015). Collection method: clinical testing. Allele origin: germline.
Comment: This sequence change replaces proline, which is neutral and non-polar, with serine, which is neutral and polar, at codon 37 of the FANCE protein (p.Pro37Ser). This variant is present in population databases (no rsID available, gnomAD 0.007%). This variant has not been reported in the literature in individuals affected with FANCE-related conditions. ClinVar contains an entry for this variant (Variation ID: 3705602). Invitae Evidence Modeling of protein sequence and biophysical properties (such as structural, functional, and spatial information, amino acid conservation, physicochemical variation, residue mobility, and thermodynamic stability) indicates that this missense variant is not expected to disrupt FANCE protein function with a negative predictive value of 80%. In summary, the available evidence is currently insufficient to determine the role of this variant in disease. Therefore, it has been classified as a Variant of Uncertain Significance.

NM_021922.3(FANCE):c.109C>T (p.Pro37Ser)

Genes: FANCE (FA complementation group E; plus strand), LOC129996245 (ATAC-STARR-seq lymphoblastoid silent region 17092; plus strand). Cytogenetic location: 6p21.31.
Variant type: single nucleotide variant.
Coding change: c.109C>T on transcript NM_021922.3 (MANE Select); coding-DNA position 109, C replaced by T.
Protein change: p.Pro37Ser; replaces proline 37 with serine.
Molecular consequence: missense variant.
Genome position (GRCh38, 1-based): chr6:35,452,654, C>T. VCF-style: chr6-35452654-C-T. GRCh37 (hg19) VCF-style: chr6-35420431-C-T.
Other names: c.109C>T, p.Pro37Ser (NM_001410876.1); short protein forms P37S.
Identifiers: ClinVar variation 3705602 (VCV003705602.2).